The following is an entry in ClinVar:

NM_018089.3(ANKZF1):c.638C>T (p.Ala213Val)

Gene: ANKZF1 (ankyrin repeat and zinc finger peptidyl tRNA hydrolase 1; plus strand). Cytogenetic location: 2q35.
Variant type: single nucleotide variant.
Coding change: c.638C>T on transcript NM_018089.3 (MANE Select); coding-DNA position 638, C replaced by T.
Protein change: p.Ala213Val; replaces alanine 213 with valine.
Molecular consequence: missense variant.
Genome position (GRCh38, 1-based): chr2:219,233,158, C>T. VCF-style: chr2-219233158-C-T. GRCh37 (hg19) VCF-style: chr2-220097880-C-T.
Other names: c.638C>T, p.Ala213Val (NM_001042410.2); c.8C>T, p.Ala3Val (NM_001282792.2); short protein forms A213V, A3V.
Identifiers: ClinVar variation 1964992 (VCV001964992.5), dbSNP rs1295233501, ClinGen allele CA350674598.

ClinVar aggregate classification (germline): Uncertain significance (1 of 4 stars; one submission).

Allele frequency attached by ClinVar (database versions not stated): gnomAD exomes 0.00001; TOPMed 0.00002.
gnomAD v4.1: 9 of 1,614,232 alleles (0.00056%); highest among the groups gnomAD compares: South Asian, 0.0011%; no homozygotes.

Submission:

Labcorp Genetics (formerly Invitae), Labcorp
Classification: Uncertain significance. Last evaluated: 2023-07-07. Review status: criteria provided, single submitter. Criteria: Invitae Variant Classification Sherloc (09022015). Collection method: clinical testing. Allele origin: germline.
Comment: This sequence change replaces alanine, which is neutral and non-polar, with valine, which is neutral and non-polar, at codon 213 of the ANKZF1 protein (p.Ala213Val). This variant is present in population databases (no rsID available, gnomAD 0.0009%). This variant has not been reported in the literature in individuals affected with ANKZF1-related conditions. ClinVar contains an entry for this variant (Variation ID: 1964992). An algorithm developed to predict the effect of missense changes on protein structure and function (PolyPhen-2) suggests that this variant is likely to be tolerated. In summary, the available evidence is currently insufficient to determine the role of this variant in disease. Therefore, it has been classified as a Variant of Uncertain Significance.